The following is an entry in ClinVar:

NM_003070.5(SMARCA2):c.3982-1108A>G

Gene: SMARCA2 (SWI/SNF related BAF chromatin remodeling complex subunit ATPase 2; plus strand). Cytogenetic location: 9p24.3.
Variant type: single nucleotide variant.
Coding change: c.3982-1108A>G on transcript NM_003070.5 (MANE Select); 1108 bases into the intron before coding-DNA position 3982, A replaced by G.
Molecular consequence: intron variant.
Genome position (GRCh38, 1-based): chr9:2,160,578, A>G. VCF-style: chr9-2160578-A-G. GRCh37 (hg19) VCF-style: chr9-2160578-A-G.
Other names: c.3982-1108A>G (NM_139045.4, NM_001289396.2); c.3808-1108A>G (NM_001289397.2); c.10-1108A>G (NM_001289398.2); c.99+669A>G (NM_001289400.2); c.93+669A>G (NM_001289399.2).
Identifiers: ClinVar variation 2659035 (VCV002659035.23), dbSNP rs189111247, ClinGen allele CA4963972.

ClinVar aggregate classification (germline): Likely benign (1 of 4 stars; one submission).

Allele frequency attached by ClinVar (database versions not stated): ExAC 0.00008; 1000 Genomes Project 0.00060; 1000 Genomes Project 30x 0.00062; gnomAD exomes 0.00068; gnomAD 0.00077; TOPMed 0.00093.
gnomAD v4.1: 500 of 702,342 alleles (0.071%); highest among the groups gnomAD compares: Admixed American, 0.13%; 1 homozygote.

Submission:

CeGaT Center for Human Genetics Tuebingen
Classification: Likely benign. Last evaluated: 2026-07-01. Review status: criteria provided, single submitter. Criteria: CeGaT Center For Human Genetics Tuebingen Variant Classification Criteria Version 2. Collection method: clinical testing. Allele origin: germline. Affected: yes. Observed: 4 variant alleles.
Comment: SMARCA2: BS1